The following is an entry in ClinVar:

NM_005477.3(HCN4):c.1514G>A (p.Cys505Tyr)

Gene: HCN4 (hyperpolarization activated cyclic nucleotide gated potassium channel 4; minus strand). Cytogenetic location: 15q24.1.
Variant type: single nucleotide variant.
Coding change: c.1514G>A on transcript NM_005477.3 (MANE Select); coding-DNA position 1514, G replaced by A.
Protein change: p.Cys505Tyr; replaces cysteine 505 with tyrosine.
Molecular consequence: missense variant.
Genome position (GRCh38, 1-based): chr15:73,329,649, C>T on the plus strand (G>A on the coding strand, the complement: HCN4 is on the minus strand). VCF-style: chr15-73329649-C-T. GRCh37 (hg19) VCF-style: chr15-73621990-C-T.
Other names: c.1514G>A (NM_005477.2); short protein forms C505Y.
Identifiers: ClinVar variation 2699432 (VCV002699432.4), dbSNP rs2549071368, ClinGen allele CA393093674.
Genomic context (GRCh38, chr15:73,329,649, plus strand): 5'-CGCCGGGAGGAGTCCAGGGACTGGATGAGGGCAGTGGCGTGGCCAATGAACATGGCGTAG[C>T]AGGTGGCACCCACGATCATGCTGAGCATGGTGAGCCAGACGTCGGACATGCCCACGGGCG-3'
Protein context (NP_005468.1, residues 495-515): TMLSMIVGAT[Cys505Tyr]YAMFIGHATA

ClinVar aggregate classification (germline): Uncertain significance. Review status: criteria provided, multiple submitters, no conflicts (2 of 4 stars). 2 submissions from 2 submitters: Uncertain significance (2). Last evaluated 2023-11-28.

Conditions:
Cardiovascular phenotype. Identifiers: MedGen CN230736.
Brugada syndrome 8 (BRGDA8). Identifiers: Orphanet 130, MedGen C2751083, MONDO:0013148, OMIM 613123.

Submissions (2):

Labcorp Genetics (formerly Invitae), Labcorp
Classification: Uncertain significance for Brugada syndrome 8. Last evaluated: 2023-11-28. Review status: criteria provided, single submitter. Criteria: Invitae Variant Classification Sherloc (09022015). Collection method: clinical testing. Allele origin: germline.
Comment: This sequence change replaces cysteine, which is neutral and slightly polar, with tyrosine, which is neutral and polar, at codon 505 of the HCN4 protein (p.Cys505Tyr). This variant is not present in population databases (gnomAD no frequency). This variant has not been reported in the literature in individuals affected with HCN4-related conditions. Advanced modeling of protein sequence and biophysical properties (such as structural, functional, and spatial information, amino acid conservation, physicochemical variation, residue mobility, and thermodynamic stability) has been performed at Invitae for this missense variant, however the output from this modeling did not meet the statistical confidence thresholds required to predict the impact of this variant on HCN4 protein function. In summary, the available evidence is currently insufficient to determine the role of this variant in disease. Therefore, it has been classified as a Variant of Uncertain Significance.

Ambry Genetics
Classification: Uncertain significance for Cardiovascular phenotype. Last evaluated: 2023-10-18. Review status: criteria provided, single submitter. Criteria: Ambry Variant Classification Scheme 2023. Collection method: clinical testing. Allele origin: germline.
Comment: The p.C505Y variant (also known as c.1514G>A), located in coding exon 4 of the HCN4 gene, results from a G to A substitution at nucleotide position 1514. The cysteine at codon 505 is replaced by tyrosine, an amino acid with highly dissimilar properties. This amino acid position is highly conserved in available vertebrate species. In addition, this alteration is predicted to be deleterious by in silico analysis. Since supporting evidence is limited at this time, the clinical significance of this alteration remains unclear.